The following is an entry in ClinVar:

ClinVar aggregate classification (germline): Likely benign (1 of 4 stars; one submission).

gnomAD v4.1: 411 of 1,570,700 alleles (0.026%); highest among the groups gnomAD compares: East Asian, 0.91%; 4 homozygotes.

Submission:

CeGaT Center for Human Genetics Tuebingen
Classification: Likely benign. Last evaluated: 2026-04-01. Review status: criteria provided, single submitter. Criteria: CeGaT Center For Human Genetics Tuebingen Variant Classification Criteria Version 2. Collection method: clinical testing. Allele origin: germline. Affected: yes. Observed: 1 variant allele.
Comment: TAF13: BP4, BP7

NM_005645.4(TAF13):c.321T>C (p.Asn107=)

Gene: TAF13 (TATA-box binding protein associated factor 13; minus strand). Cytogenetic location: 1p13.3.
Variant type: single nucleotide variant.
Coding change: c.321T>C on transcript NM_005645.4 (MANE Select); coding-DNA position 321, T replaced by C.
Protein change: p.Asn107=; no amino-acid change (asparagine 107 retained).
Molecular consequence: synonymous variant.
Genome position (GRCh38, 1-based): chr1:109,064,577, A>G on the plus strand (T>C on the coding strand, the complement: TAF13 is on the minus strand). VCF-style: chr1-109064577-A-G. GRCh37 (hg19) VCF-style: chr1-109607199-A-G.
Identifiers: ClinVar variation 4873416 (VCV004873416.2).